The following is an entry in ClinVar:

NM_173648.4(CCDC141):c.830T>G (p.Leu277Arg)

Gene: CCDC141 (coiled-coil domain containing 141; minus strand). Cytogenetic location: 2q31.2.
Variant type: single nucleotide variant.
Coding change: c.830T>G on transcript NM_173648.4 (MANE Select); coding-DNA position 830, T replaced by G.
Protein change: p.Leu277Arg; replaces leucine 277 with arginine.
Molecular consequence: missense variant.
Genome position (GRCh38, 1-based): chr2:178,944,602, A>C on the plus strand (T>G on the coding strand, the complement: CCDC141 is on the minus strand). VCF-style: chr2-178944602-A-C. GRCh37 (hg19) VCF-style: chr2-179809329-A-C.
Other names: c.830T>G, p.Leu277Arg (NM_001316745.2); short protein forms L277R.
Identifiers: ClinVar variation 1952080 (VCV001952080.5), dbSNP rs2536154610, ClinGen allele CA349712307.

ClinVar aggregate classification (germline): Uncertain significance (1 of 4 stars; one submission).

Submission:

Labcorp Genetics (formerly Invitae), Labcorp
Classification: Uncertain significance. Last evaluated: 2023-07-07. Review status: criteria provided, single submitter. Criteria: Invitae Variant Classification Sherloc (09022015). Collection method: clinical testing. Allele origin: germline.
Comment: This variant has not been reported in the literature in individuals affected with CCDC141-related conditions. This variant is not present in population databases (gnomAD no frequency). This sequence change replaces leucine, which is neutral and non-polar, with arginine, which is basic and polar, at codon 277 of the CCDC141 protein (p.Leu277Arg). ClinVar contains an entry for this variant (Variation ID: 1952080). In summary, the available evidence is currently insufficient to determine the role of this variant in disease. Therefore, it has been classified as a Variant of Uncertain Significance. An algorithm developed to predict the effect of missense changes on protein structure and function (PolyPhen-2) suggests that this variant is likely to be disruptive.